The following is an entry in ClinVar:

ClinVar aggregate classification (germline): Pathogenic (1 of 4 stars; one submission).

Conditions:
Hereditary factor VIII deficiency disease (HEMA). Also called: HEMOPHILIA, CLASSIC; AUTOSOMAL HEMOPHILIA A; Hemophilia A; Hemophilia A, congenital; HEM A; Factor 8 deficiency, congenital. Identifiers: Orphanet 98878, MedGen C0019069, MONDO:0010602, OMIM 306700.

Submission:

Genetics and Molecular Pathology, SA Pathology
Classification: Pathogenic for Hereditary factor VIII deficiency disease. Last evaluated: 2020-08-26. Review status: criteria provided, single submitter. Criteria: ACMG Guidelines, 2015. Collection method: clinical testing. Allele origin: germline. Inheritance: X-linked recessive inheritance. Affected: yes.
Comment: PVS1, PM2, PP4

NM_000132.4(F8):c.1443+2T>G

Gene: F8 (coagulation factor VIII; minus strand). Cytogenetic location: Xq28.
Variant type: single nucleotide variant.
Coding change: c.1443+2T>G on transcript NM_000132.4 (MANE Select); the canonical splice donor site of the intron after coding-DNA position 1443, T replaced by G.
Molecular consequence: splice donor variant.
Genome position (GRCh38, 1-based): chrX:154,965,968, A>C on the plus strand (T>G on the coding strand, the complement: F8 is on the minus strand). VCF-style: chrX-154965968-A-C. GRCh37 (hg19) VCF-style: chrX-154194243-A-C.
Identifiers: ClinVar variation 1698786 (VCV001698786.2), dbSNP rs2073420861, ClinGen allele CA414914230.